The following is an entry in ClinVar:

ClinVar aggregate classification (germline): Uncertain significance (1 of 4 stars; one submission).

Conditions:
Intellectual developmental disorder, X-linked 93. Also called: MENTAL RETARDATION, X-LINKED, WITH MACROCEPHALY; Intellectual disability, X-linked 93. Identifiers: MedGen C1970841, MONDO:0010393, OMIM 300659.

Submission:

Neuberg Centre For Genomic Medicine, NCGM
Classification: Uncertain significance for Intellectual developmental disorder, X-linked 93. Review status: criteria provided, single submitter. Criteria: ACMG Guidelines, 2015. Collection method: clinical testing. Allele origin: germline. Inheritance: X-linked inheritance. Affected: yes.
Comment: The missense variant in c.463T>G in BRWD3 gene has not been reported previously as a pathogenic variant nor as a benign variant, to our knowledge. The p.Cys155Gly variant is novel (not in any individuals) in gnomAD Exomes and 1000 Genomes. The amino acid change p.Cys155Gly in BRWD3 is predicted as conserved by GERP++ and PhyloP across 100 vertebrates. The amino acid Cys at position 155 is changed to a Gly changing protein sequence and it might alter its composition and physico-chemical properties. For these reasons, this variant has been classified as Uncertain Significance (VUS).

NM_153252.5(BRWD3):c.463T>G (p.Cys155Gly)

Gene: BRWD3 (bromodomain and WD repeat domain containing 3; minus strand). Cytogenetic location: Xq21.1.
Variant type: single nucleotide variant.
Coding change: c.463T>G on transcript NM_153252.5 (MANE Select); coding-DNA position 463, T replaced by G.
Protein change: p.Cys155Gly; replaces cysteine 155 with glycine.
Molecular consequence: missense variant.
Genome position (GRCh38, 1-based): chrX:80,745,697, A>C on the plus strand (T>G on the coding strand, the complement: BRWD3 is on the minus strand). VCF-style: chrX-80745697-A-C. GRCh37 (hg19) VCF-style: chrX-80001196-A-C.
Other names: short protein forms C155G.
Identifiers: ClinVar variation 2584817 (VCV002584817.1), dbSNP rs2520558582, ClinGen allele CA413607646.